The following is an entry in ClinVar:

NM_004360.5(CDH1):c.2296-12T>C

Gene: CDH1 (cadherin 1; plus strand). Cytogenetic location: 16q22.1.
Variant type: single nucleotide variant.
Coding change: c.2296-12T>C on transcript NM_004360.5 (MANE Select); 12 bases into the intron before coding-DNA position 2296, T replaced by C.
Molecular consequence: intron variant.
Genome position (GRCh38, 1-based): chr16:68,829,642, T>C. VCF-style: chr16-68829642-T-C. GRCh37 (hg19) VCF-style: chr16-68863545-T-C.
Other names: c.748-12T>C (NM_001317185.2); c.331-12T>C (NM_001317186.2); c.2113-12T>C (NM_001317184.2); c.2296-12T>C (LRG_301t1).
Identifiers: ClinVar variation 489856 (VCV000489856.14), dbSNP rs1555517817, ClinGen allele CA658683968.

ClinVar aggregate classification (germline): Conflicting classifications of pathogenicity. Review status: criteria provided, conflicting classifications (1 of 4 stars). 4 submissions from 4 submitters: Uncertain significance (2); Likely benign (2). Last evaluated 2026-09-14.

Conditions:
Hereditary cancer-predisposing syndrome. Also called: Tumor predisposition; Hereditary Cancer Syndrome; Hereditary neoplastic syndrome; Neoplastic Syndromes, Hereditary. Identifiers: Orphanet 140162, MedGen C0027672, MeSH D009386, MONDO:0015356.
Hereditary diffuse gastric adenocarcinoma (HDGC). Also called: DIFFUSE GASTRIC AND LOBULAR BREAST CANCER SYNDROME. Identifiers: Orphanet 26106, MedGen C1708349, MONDO:0007648, OMIM 137215.
CDH1-related diffuse gastric and lobular breast cancer syndrome. Also called: CDH1-related diffuse gastric and lobular breast cancer. Identifiers: MedGen CN311521, MONDO:0100488.

Allele frequency attached by ClinVar (database versions not stated): TOPMed below 0.00001.
gnomAD v4.1: 3 of 1,614,056 alleles (0.00019%); highest among the groups gnomAD compares: Middle Eastern, 0.016%; no homozygotes.

Submissions (4):

Hema, HEMA – Genetic and Molecular Diagnostic Laboratory
Classification: Uncertain significance for CDH1-related diffuse gastric and lobular breast cancer syndrome. Last evaluated: 2026-09-14. Review status: criteria provided, single submitter. Criteria: HEMA Variant Classification Assertion Criteria. Collection method: clinical testing. Allele origin: germline.
Comment: The variant c.2296-12T>C is a transition from thymine to cytosine at position -12 of intron 14 of the CDH1 gene. PM2_Supporting: Present at very low frequency in gnomAD v4.1.2. BP4: According to the splicing predictor SpliceAI, the variant does not affect splicing (Δscore = 0.00 ≤ 0.1).

Labcorp Genetics (formerly Invitae), Labcorp
Classification: Likely benign for Hereditary diffuse gastric adenocarcinoma. Last evaluated: 2025-09-28. Review status: criteria provided, single submitter. Criteria: Invitae Variant Classification Sherloc (09022015). Collection method: clinical testing. Allele origin: germline.

Myriad Genetics, Inc.
Classification: Likely benign for Hereditary diffuse gastric adenocarcinoma. Last evaluated: 2024-09-23. Review status: criteria provided, single submitter. Criteria: Myriad Autosomal Dominant, Autosomal Recessive and X-Linked Classification Criteria (2023). Collection method: clinical testing. Allele origin: unknown.
Comment: This variant is considered likely benign. This variant is intronic and is not expected to impact mRNA splicing.

Color Diagnostics, LLC DBA Color Health
Classification: Uncertain significance for Hereditary cancer-predisposing syndrome. Last evaluated: 2019-04-13. Review status: criteria provided, single submitter. Criteria: ACMG Guidelines, 2015. Collection method: clinical testing. Allele origin: germline.